The following is an entry in ClinVar:

NC_000015.9:g.(?_34537874)_(34543278_?)del

Gene: SLC12A6 (solute carrier family 12 member 6; minus strand). Cytogenetic location: 15q14.
Variant type: Deletion.
Identifiers: ClinVar variation 3243908 (VCV003243908.1).

ClinVar aggregate classification (germline): Pathogenic (1 of 4 stars; one submission).

Submission:

Labcorp Genetics (formerly Invitae), Labcorp
Classification: Pathogenic. Last evaluated: 2023-09-18. Review status: criteria provided, single submitter. Criteria: Invitae Variant Classification Sherloc (09022015). Collection method: clinical testing. Allele origin: unknown.
Comment: This variant is a gross deletion of the genomic region encompassing exon(s) 10-13 of the SLC12A6 gene. This deletion is out-of-frame, and is expected to create a premature termination codon and result in an absent or disrupted protein product. Loss-of-function variants in SLC12A6 are known to be pathogenic (PMID: 12368912, 16606917). This variant has not been reported in the literature in individuals affected with SLC12A6-related conditions. For these reasons, this variant has been classified as Pathogenic.

Literature cited by the submitters: PubMed 12368912; PubMed 16606917.